The following is an entry in ClinVar:

GRCh37/hg19 9q31.1(chr9:107972883-108105377)x3

Gene: SLC44A1 (solute carrier family 44 member 1; plus strand). Cytogenetic location: 9q31.1.
Variant type: copy number gain.
Change: copy number 3 (three copies instead of two) of chr9:107,972,883-108,105,377 (132.5 kb, GRCh37 coordinates, 1-based), cytogenetic band 9q31.1.
Identifiers: ClinVar variation 202237 (VCV000202237.4).

ClinVar aggregate classification (germline): Uncertain significance (1 of 4 stars; one submission).

Submission:

Cytogenetics Laboratory, University of Washington
Classification: Uncertain significance. Last evaluated: 2015-05-18. Review status: criteria provided, single submitter. Criteria: UW Cytogenetics and Genomics Laboratory Policy on CNV Interpretation (5/6/2015). Collection method: clinical testing. Allele origin: unknown. Affected: yes. Observed: 1 variant allele.

Literature cited by the submitters: PubMed 23506897.